The following is an entry in ClinVar:

NM_002470.4(MYH3):c.5458-3_5458-2dup

Gene: MYH3 (myosin heavy chain 3; minus strand). Cytogenetic location: 17p13.1.
Variant type: Duplication.
Coding change: c.5458-3_5458-2dup on transcript NM_002470.4 (MANE Select); 3 bases into the intron before coding-DNA position 5458 through the canonical splice acceptor site of the intron before coding-DNA position 5458, 2 bases duplicated (CA; older notation c.5458-3_5458-2dupCA).
Molecular consequence: splice acceptor variant.
Genome position (GRCh38, 1-based): chr17:10,630,198-10,630,199, TG duplicated on the plus strand (CA on the coding strand, the reverse complement: MYH3 is on the minus strand). VCF-style (leftmost placement, unchanged base first): chr17-10630197-C-CTG. GRCh37 (hg19) VCF-style: chr17-10533514-C-CTG.
Other names: c.5458-3_5458-2dupCA (NM_002470.3).
Identifiers: ClinVar variation 1351216 (VCV001351216.7), dbSNP rs759071057, ClinGen allele CA8391914.

ClinVar aggregate classification (germline): Uncertain significance. Review status: criteria provided, single submitter (1 of 4 stars). 2 submissions from 2 submitters: Uncertain significance (1). 1 of the submissions does not count toward it. Last evaluated 2023-12-21.

Conditions:
MYH3-related disorder. Also called: MYH3-Related Disorders; MYH3-related condition. Identifiers: MedGen CN239329.

Allele frequency attached by ClinVar (database versions not stated): TOPMed below 0.00001; gnomAD 0.00001; gnomAD exomes 0.00001; ExAC 0.00002.

Submissions (2):

Labcorp Genetics (formerly Invitae), Labcorp
Classification: Uncertain significance. Last evaluated: 2023-12-21. Review status: criteria provided, single submitter. Criteria: Invitae Variant Classification Sherloc (09022015). Collection method: clinical testing. Allele origin: germline.
Comment: This sequence change falls in intron 37 of the MYH3 gene. It does not directly change the encoded amino acid sequence of the MYH3 protein. This variant is present in population databases (rs759071057, gnomAD 0.002%). This variant has not been reported in the literature in individuals affected with MYH3-related conditions. ClinVar contains an entry for this variant (Variation ID: 1351216). Experimental studies and prediction algorithms are not available or were not evaluated, and the effect of this variant on mRNA splicing is currently unknown. In summary, the available evidence is currently insufficient to determine the role of this variant in disease. Therefore, it has been classified as a Variant of Uncertain Significance.

PreventionGenetics, part of Exact Sciences
Classification: Likely benign for MYH3-related condition. Last evaluated: 2019-03-12. Review status: no assertion criteria provided. Collection method: clinical testing. Allele origin: germline. Not counted in ClinVar's aggregate classification.
Comment: This variant is classified as likely benign based on ACMG/AMP sequence variant interpretation guidelines (Richards et al. 2015 PMID: 25741868, with internal and published modifications).